The following is an entry in ClinVar:

NM_206933.4(USH2A):c.4957C>T (p.Arg1653Ter)

Genes: USH2A-AS2 (USH2A antisense RNA 2; plus strand), USH2A (usherin; minus strand). Cytogenetic location: 1q41.
Variant type: single nucleotide variant.
Coding change: c.4957C>T on transcript NM_206933.4 (MANE Select); coding-DNA position 4957, C replaced by T.
Protein change: p.Arg1653Ter; replaces arginine 1653 with a stop codon.
Molecular consequence: nonsense. On other transcripts: non-coding transcript variant (2).
Genome position (GRCh38, 1-based): chr1:216,086,749, G>A on the plus strand (C>T on the coding strand, the complement: USH2A is on the minus strand). VCF-style: chr1-216086749-G-A. GRCh37 (hg19) VCF-style: chr1-216260091-G-A.
Other names: short protein forms R1653*.
Identifiers: ClinVar variation 488733 (VCV000488733.26), dbSNP rs754768875, ClinGen allele CA1395583.
Genomic context (GRCh38, chr1:216,086,749, plus strand): 5'-ACAACATATAATATACCTTACTAAACTCACCAGGATCCTTCCTGAGGATGGTATAACTTC[G>A]CGGGAGCCCTCCCAGAAAGACTCCTGTGTTATCTCCAATAACAGTACTACCATTCAGGAT-3'

ClinVar aggregate classification (germline): Pathogenic. Review status: criteria provided, multiple submitters, no conflicts (2 of 4 stars). 14 submissions from 13 submitters: Pathogenic (11). 3 of the submissions do not count toward it. Last evaluated 2026-05-20.

Conditions:
USH2A-related disorder. Also called: USH2A-related disorders; USH2A-related condition. Identifiers: MedGen CN239332.
Retinal dystrophy. Also called: Inherited retinal dystrophy. Identifiers: Orphanet 71862, MedGen C0854723, MeSH D058499, MONDO:0019118, HP:0000556.
Leber congenital amaurosis (LCA). Also called: Leber's amaurosis. Identifiers: Orphanet 65, MedGen C0339527, MeSH D057130, MONDO:0018998.
Retinitis pigmentosa (RP). Identifiers: Orphanet 791, MedGen C0035334, MeSH D012174, MONDO:0019200, OMIM 268000. Inheritance: Autosomal dominant, autosomal recessive and X linked inheritance.
Usher syndrome type 2A. Also called: USHER SYNDROME, TYPE IIA; RETINAL DISEASE IN USHER SYNDROME TYPE IIA, MODIFIER OF. Identifiers: Orphanet 231178, Orphanet 886, MedGen C1848634, MONDO:0010169, OMIM 276901.
Retinitis pigmentosa 39 (RP39). Identifiers: Orphanet 791, MedGen C3151138, MONDO:0013436, OMIM 613809.

Allele frequency attached by ClinVar (database versions not stated): TOPMed below 0.00001; gnomAD exomes 0.00001 and 0.00002; ExAC 0.00003; gnomAD 0.00003.
gnomAD v4.1: 19 of 1,612,652 alleles (0.0012%); highest among the groups gnomAD compares: East Asian, 0.0067%; no homozygotes.

Submissions (14):

PreventionGenetics, part of Exact Sciences
Classification: Pathogenic for USH2A-related condition. Last evaluated: 2026-05-20. Review status: criteria provided, single submitter. Criteria: ACMG Guidelines, 2015. Collection method: clinical testing. Allele origin: germline.
Comment: The USH2A c.4957C>T variant is predicted to result in premature protein termination (p.Arg1653*). This variant has been reported many times in individuals with Usher syndrome or non-syndromic retinitis pigmentosa (see for examples: Dreyer et al. 2008. PubMed ID: 18273898; Huang et al. 2017. PubMed ID: 28512305; Table S2, Liu et al. 2020. PubMed ID: 33090715). This variant is present in 0.019% of alleles in individuals of Ashkenazi Jewish descent in gnomAD. Nonsense variants in USH2A are an established mechanism of disease. This variant is interpreted as pathogenic.

GeneDx
Classification: Pathogenic. Last evaluated: 2026-01-29. Review status: criteria provided, single submitter. Criteria: GeneDx Variant Classification Process June 2021. Collection method: clinical testing. Allele origin: germline. Affected: yes.
Comment: Identified with a second variant in an unknown phase in patients with Usher syndrome in published literature and referred for genetic testing at GeneDx (PMID: 24944099, 28512305); Nonsense variant predicted to result in protein truncation or nonsense mediated decay in a gene for which loss of function is a known mechanism of disease; This variant is associated with the following publications: (PMID: 25525159, 28805479, 31964843, 18273898, 36110214, 36729443, 27957503, 28512305, 32675063, 33576794, 33090715, 34781295, 33691693, 33124170, 30358468, 26927203, 30718709, 22334370, 34599366, 40164689, 24944099)

Natera, Inc.
Classification: Pathogenic for Usher syndrome type 2A. Last evaluated: 2025-09-29. Review status: criteria provided, single submitter. Criteria: Natera Variant Classification Schema (03/2026). Collection method: clinical testing. Allele origin: germline.
Comment: The c.4957C>T variant in USH2A is a nonsense variant predicted to introduce a stop codon at amino acid 1653. This variant is expected to result in nonsense mediated decay, truncation, or a dysfunctional protein product. This variant is rare in the general population with a frequency below the threshold expected for the associated phenotype(s). This variant has been observed in one or more individuals affected with the associated recessive disease, as either homozygous or compound heterozygous with a second variant (PMID: 32176120). Given the available evidence, this variant is classified as Pathogenic.

Labcorp Genetics (formerly Invitae), Labcorp
Classification: Pathogenic. Last evaluated: 2024-06-28. Review status: criteria provided, single submitter. Criteria: Invitae Variant Classification Sherloc (09022015). Collection method: clinical testing. Allele origin: germline.
Comment: This sequence change creates a premature translational stop signal (p.Arg1653*) in the USH2A gene. It is expected to result in an absent or disrupted protein product. Loss-of-function variants in USH2A are known to be pathogenic (PMID: 10729113, 10909849, 20507924, 25649381). This variant is present in population databases (rs754768875, gnomAD 0.02%). This premature translational stop signal has been observed in individual(s) with Usher syndrome and retinitis pigmentosa (PMID: 18273898, 22334370, 27957503, 28512305). ClinVar contains an entry for this variant (Variation ID: 488733). For these reasons, this variant has been classified as Pathogenic.

Baylor Genetics
Classification: Pathogenic for Retinitis pigmentosa 39. Last evaluated: 2023-12-11. Review status: criteria provided, single submitter. Criteria: ACMG Guidelines, 2015. Collection method: clinical testing. Allele origin: unknown.

Genome-Nilou Lab
Classification: Pathogenic for Usher syndrome type 2A. Last evaluated: 2023-11-04. Review status: criteria provided, single submitter. Criteria: ACMG Guidelines, 2015. Collection method: clinical testing. Allele origin: germline. Affected: no.

Blueprint Genetics
Classification: Pathogenic for USH2A-related disorders. Last evaluated: 2023-10-03. Review status: criteria provided, single submitter. Criteria: ACMG Guidelines, 2015. Collection method: clinical testing. Allele origin: germline. Affected: yes. Observed: 5 variant alleles.

Dept Of Ophthalmology, Nagoya University
Classification: Pathogenic for Retinal dystrophy. Last evaluated: 2023-10-01. Review status: criteria provided, single submitter. Criteria: Submitter's publication. Collection method: research. Allele origin: germline. Affected: yes.

Clinical Genetics Laboratory, Skane University Hospital Lund
Classification: Pathogenic. Last evaluated: 2022-05-27. Review status: criteria provided, single submitter. Criteria: ACMG Guidelines, 2015. Collection method: clinical testing. Allele origin: germline. Affected: yes.

Institute of Human Genetics, Univ. Regensburg, Univ. Regensburg
Classification: Pathogenic for Retinal dystrophy. Last evaluated: 2020-01-01. Review status: criteria provided, single submitter. Criteria: ACMG Guidelines, 2015. Collection method: clinical testing. Allele origin: germline. Affected: yes.

Mendelics
Classification: Pathogenic for Usher syndrome type 2A. Last evaluated: 2019-05-28. Review status: criteria provided, single submitter. Criteria: Mendelics Assertion Criteria 2017. Collection method: clinical testing. Allele origin: unknown.

Department of Clinical Genetics, Copenhagen University Hospital, Rigshospitalet
Classification: Likely pathogenic for Retinitis pigmentosa. Last evaluated: 2018-04-01. Review status: no assertion criteria provided. Collection method: research. Allele origin: unknown. Affected: yes. Study: VeluxRD. Not counted in ClinVar's aggregate classification.

Department of Clinical Genetics, Copenhagen University Hospital, Rigshospitalet
Classification: Likely pathogenic for Leber congenital amaurosis. Last evaluated: 2018-04-01. Review status: no assertion criteria provided. Collection method: research. Allele origin: unknown. Affected: yes. Study: VeluxRD. Not counted in ClinVar's aggregate classification.

Counsyl
Classification: Pathogenic for Usher syndrome type 2A. Last evaluated: 2017-11-07. Review status: no assertion criteria provided. Collection method: clinical testing. Allele origin: unknown. Not counted in ClinVar's aggregate classification.

Literature cited by the submitters: PubMed 32176120 (cited by Natera, Inc.); PubMed 10729113 (cited by Labcorp Genetics (formerly Invitae), Labcorp); PubMed 10909849 (cited by Labcorp Genetics (formerly Invitae), Labcorp); PubMed 20507924 (cited by Labcorp Genetics (formerly Invitae), Labcorp); PubMed 25649381 (cited by Labcorp Genetics (formerly Invitae), Labcorp); PubMed 18273898 (cited by 3 submitters); PubMed 22334370 (cited by Labcorp Genetics (formerly Invitae), Labcorp and Institute of Human Genetics, Univ. Regensburg, Univ. Regensburg); PubMed 27957503 (cited by Labcorp Genetics (formerly Invitae), Labcorp); PubMed 28512305 (cited by Labcorp Genetics (formerly Invitae), Labcorp and Institute of Human Genetics, Univ. Regensburg, Univ. Regensburg); PubMed 25525159 (cited by Institute of Human Genetics, Univ. Regensburg, Univ. Regensburg); PubMed 31964843 (cited by Institute of Human Genetics, Univ. Regensburg, Univ. Regensburg); PubMed 33090715 (cited by Institute of Human Genetics, Univ. Regensburg, Univ. Regensburg); PubMed 33576794 (cited by Institute of Human Genetics, Univ. Regensburg, Univ. Regensburg); PubMed 33691693 (cited by Institute of Human Genetics, Univ. Regensburg, Univ. Regensburg); PubMed 33124170 (cited by Institute of Human Genetics, Univ. Regensburg, Univ. Regensburg); PubMed 32675063 (cited by Institute of Human Genetics, Univ. Regensburg, Univ. Regensburg); PubMed 34781295 (cited by Institute of Human Genetics, Univ. Regensburg, Univ. Regensburg); PubMed 30718709 (cited by Department of Clinical Genetics, Copenhagen University Hospital, Rigshospitalet); PubMed 26927203 (cited by Counsyl).